The following is an entry in ClinVar:

NM_001271.4(CHD2):c.4236A>C (p.Glu1412Asp)

Gene: CHD2 (chromodomain helicase DNA binding protein 2; plus strand). Cytogenetic location: 15q26.1.
Variant type: single nucleotide variant.
Coding change: c.4236A>C on transcript NM_001271.4 (MANE Select); coding-DNA position 4236, A replaced by C.
Protein change: p.Glu1412Asp; replaces glutamic acid 1412 with aspartic acid.
Molecular consequence: missense variant.
Genome position (GRCh38, 1-based): chr15:93,002,275, A>C. VCF-style: chr15-93002275-A-C. GRCh37 (hg19) VCF-style: chr15-93545505-A-C.
Other names: short protein forms E1412D.
Identifiers: ClinVar variation 1471302 (VCV001471302.9), dbSNP rs747843766, ClinGen allele CA7748417.

ClinVar aggregate classification (germline): Uncertain significance. Review status: criteria provided, multiple submitters, no conflicts (2 of 4 stars). 2 submissions from 2 submitters: Uncertain significance (2). Last evaluated 2024-10-26.

Conditions:
Developmental and epileptic encephalopathy 94 (DEE94). Also called: Epileptic encephalopathy, childhood-onset; CHD2-Related Neurodevelopmental Disorders. Identifiers: Orphanet 1942, Orphanet 2382, MedGen C3809278, MONDO:0014150, OMIM 615369.

Allele frequency attached by ClinVar (database versions not stated): gnomAD exomes below 0.00001 and 0.00001; TOPMed below 0.00001; ExAC 0.00001.
gnomAD v4.1: 4 of 1,602,244 alleles (0.00025%); highest among the groups gnomAD compares: Non-Finnish European, 0.00034%; no homozygotes.

Submissions (2):

Labcorp Genetics (formerly Invitae), Labcorp
Classification: Uncertain significance for Developmental and epileptic encephalopathy 94. Last evaluated: 2024-10-26. Review status: criteria provided, single submitter. Criteria: Invitae Variant Classification Sherloc (09022015). Collection method: clinical testing. Allele origin: germline.
Comment: This sequence change replaces glutamic acid, which is acidic and polar, with aspartic acid, which is acidic and polar, at codon 1412 of the CHD2 protein (p.Glu1412Asp). This variant is present in population databases (rs747843766, gnomAD 0.0009%). This variant has not been reported in the literature in individuals affected with CHD2-related conditions. ClinVar contains an entry for this variant (Variation ID: 1471302). Invitae Evidence Modeling of protein sequence and biophysical properties (such as structural, functional, and spatial information, amino acid conservation, physicochemical variation, residue mobility, and thermodynamic stability) indicates that this missense variant is not expected to disrupt CHD2 protein function with a negative predictive value of 95%. In summary, the available evidence is currently insufficient to determine the role of this variant in disease. Therefore, it has been classified as a Variant of Uncertain Significance.

Women's Health and Genetics/Laboratory Corporation of America, LabCorp
Classification: Uncertain significance. Last evaluated: 2024-10-22. Review status: criteria provided, single submitter. Criteria: LabCorp Variant Classification Summary - May 2015. Collection method: clinical testing. Allele origin: germline.
Comment: Variant summary: CHD2 c.4236A>C (p.Glu1412Asp) results in a conservative amino acid change in the encoded protein sequence. Four of five in-silico tools predict a benign effect of the variant on protein function. The variant allele was found at a frequency of 4.2e-06 in 238784 control chromosomes. The available data on variant occurrences in the general population are insufficient to allow any conclusion about variant significance. To our knowledge, no occurrence of c.4236A>C in individuals affected with Developmental And Epileptic Encephalopathy 94 and no experimental evidence demonstrating its impact on protein function have been reported. ClinVar contains an entry for this variant (Variation ID: 1471302). Based on the evidence outlined above, the variant was classified as uncertain significance.